The following is an entry in ClinVar:

ClinVar aggregate classification (germline): Uncertain significance (1 of 4 stars; one submission).

Conditions:
Marfan syndrome (MFS). Also called: MARFAN SYNDROME, TYPE I; Marfan syndrome type 1; Marfan's syndrome; Marfan syndrome, classic; FBN1-Related Marfan Syndrome. Identifiers: Orphanet 284963, Orphanet 558, MedGen C0024796, MONDO:0007947, OMIM 154700.
Familial thoracic aortic aneurysm and aortic dissection (TAAD). Also called: Thoracic aortic aneurysms and dissections. Identifiers: Orphanet 91387, MedGen C4707243, MONDO:0019625.

Submission:

Labcorp Genetics (formerly Invitae), Labcorp
Classification: Uncertain significance for Marfan syndrome; Familial thoracic aortic aneurysm and aortic dissection. Last evaluated: 2023-01-21. Review status: criteria provided, single submitter. Criteria: Invitae Variant Classification Sherloc (09022015). Collection method: clinical testing. Allele origin: germline.
Comment: In summary, the available evidence is currently insufficient to determine the role of this variant in disease. Therefore, it has been classified as a Variant of Uncertain Significance. Advanced modeling of protein sequence and biophysical properties (such as structural, functional, and spatial information, amino acid conservation, physicochemical variation, residue mobility, and thermodynamic stability) performed at Invitae indicates that this missense variant is not expected to disrupt FBN1 protein function. This variant has not been reported in the literature in individuals affected with FBN1-related conditions. This variant is not present in population databases (gnomAD no frequency). This sequence change replaces glycine, which is neutral and non-polar, with alanine, which is neutral and non-polar, at codon 369 of the FBN1 protein (p.Gly369Ala).

NM_000138.5(FBN1):c.1106G>C (p.Gly369Ala)

Genes: FBN1 (fibrillin 1; minus strand), LOC113939944 (Sharpr-MPRA regulatory region 9539; plus strand). Cytogenetic location: 15q21.1.
Variant type: single nucleotide variant.
Coding change: c.1106G>C on transcript NM_000138.5 (MANE Select); coding-DNA position 1106, G replaced by C.
Protein change: p.Gly369Ala; replaces glycine 369 with alanine.
Molecular consequence: missense variant.
Genome position (GRCh38, 1-based): chr15:48,520,700, C>G on the plus strand (G>C on the coding strand, the complement: FBN1 is on the minus strand). VCF-style: chr15-48520700-C-G. GRCh37 (hg19) VCF-style: chr15-48812897-C-G.
Other names: c.1106G>C, p.Gly369Ala (NM_001406716.1); short protein forms G369A.
Identifiers: ClinVar variation 2943319 (VCV002943319.3), dbSNP rs2505628835, ClinGen allele CA392347294.